The following is an entry in ClinVar:

ClinVar aggregate classification (germline): Uncertain significance (1 of 4 stars; one submission).

Submission:

Women's Health and Genetics/Laboratory Corporation of America, LabCorp
Classification: Uncertain significance. Last evaluated: 2024-12-18. Review status: criteria provided, single submitter. Criteria: LabCorp Variant Classification Summary - May 2015. Collection method: clinical testing. Allele origin: germline.
Comment: Variant summary: ASXL3 c.6268T>G (p.Leu2090Val) results in a conservative amino acid change in the encoded protein sequence. Five of five in-silico tools predict a benign effect of the variant on protein function. The variant was absent in 249132 control chromosomes. The available data on variant occurrences in the general population are insufficient to allow any conclusion about variant significance. To our knowledge, no occurrence of c.6268T>G in individuals affected with Bainbridge-Ropers Syndrome and no experimental evidence demonstrating its impact on protein function have been reported. No submitters have cited clinical-significance assessments for this variant to ClinVar. Based on the evidence outlined above, the variant was classified as uncertain significance.

NM_030632.3(ASXL3):c.6268T>G (p.Leu2090Val)

Gene: ASXL3 (ASXL transcriptional regulator 3; plus strand). Cytogenetic location: 18q12.1.
Variant type: single nucleotide variant.
Coding change: c.6268T>G on transcript NM_030632.3 (MANE Select); coding-DNA position 6268, T replaced by G.
Protein change: p.Leu2090Val; replaces leucine 2090 with valine.
Molecular consequence: missense variant.
Genome position (GRCh38, 1-based): chr18:33,746,116, T>G. VCF-style: chr18-33746116-T-G. GRCh37 (hg19) VCF-style: chr18-31326080-T-G.
Other names: short protein forms L2090V.
Identifiers: ClinVar variation 3768540 (VCV003768540.1).